The following is an entry in ClinVar:

NC_000023.10:g.(?_128699729)_(128701360_?)del

Gene: OCRL (OCRL inositol polyphosphate-5-phosphatase; plus strand). Cytogenetic location: Xq25-26.1.
Variant type: Deletion.
Identifiers: ClinVar variation 2422784 (VCV002422784.4).

ClinVar aggregate classification (germline): Likely pathogenic (1 of 4 stars; one submission).

Conditions:
Lowe syndrome (OCRL). Also called: LOWE OCULOCEREBRORENAL SYNDROME; PHOSPHATIDYLINOSITOL 4,5-BISPHOSPHATE 5-PHOSPHATASE DEFICIENCY; Oculocerebrorenal Syndrome. Identifiers: Orphanet 534, MedGen C0028860, MONDO:0010645, OMIM 309000.

Submission:

Labcorp Genetics (formerly Invitae), Labcorp
Classification: Likely pathogenic for Lowe syndrome. Last evaluated: 2022-06-04. Review status: criteria provided, single submitter. Criteria: Invitae Variant Classification Sherloc (09022015). Collection method: clinical testing. Allele origin: germline.
Comment: In summary, the currently available evidence indicates that the variant is pathogenic, but additional data are needed to prove that conclusively. Therefore, this variant has been classified as Likely Pathogenic. This variant disrupts a region of the OCRL protein in which other variant(s) (p.Arg457Gly) have been observed in individuals with OCRL-related conditions (PMID: 21031565). This suggests that this is a clinically significant region of the protein, and that variants that disrupt it are likely to be disease-causing. A similar copy number variant has been observed in individual(s) with clinical features of Lowe syndrome (Invitae). This variant is a gross deletion of the genomic region encompassing exon(s) 13-14 of the OCRL gene. This variant would be expected to be in-frame, preserving the integrity of the reading frame.

Literature cited by the submitters: PubMed 21031565.